The following is an entry in ClinVar:

NM_001177316.2(SLC34A3):c.1094-3C>A

Gene: SLC34A3 (solute carrier family 34 member 3; plus strand). Cytogenetic location: 9q34.3.
Variant type: single nucleotide variant.
Coding change: c.1094-3C>A on transcript NM_001177316.2 (MANE Select); 3 bases into the intron before coding-DNA position 1094, C replaced by A.
Molecular consequence: intron variant.
Genome position (GRCh38, 1-based): chr9:137,234,413, C>A. VCF-style: chr9-137234413-C-A. GRCh37 (hg19) VCF-style: chr9-140128865-C-A.
Other names: c.1094-3C>A (NM_001177317.2, NM_080877.3).
Identifiers: ClinVar variation 4885133 (VCV004885133.2).

ClinVar aggregate classification (germline): Uncertain significance (1 of 4 stars; one submission).

gnomAD v4.1: 5 of 1,597,582 alleles (0.00031%); highest among the groups gnomAD compares: Non-Finnish European, 0.00042%; no homozygotes.

Submission:

Dasa
Classification: Uncertain significance. Last evaluated: 2025-08-13. Review status: criteria provided, single submitter. Criteria: DASA Assertion Criteria. Collection method: clinical testing. Allele origin: germline.
Comment: NM_001177316.2(SLC34A3):c.1094-3C>A is a splice-region variant predicted to affect normal RNA splicing. This variant is rare in population databases. Computational prediction algorithms are consistent with a deleterious effect. The currently available literature and clinical evidence are not sufficient to establish a definitive association between this variant and the reported condition. Therefore, this variant is classified as a variant of uncertain significance.